The following is an entry in ClinVar:

ClinVar aggregate classification (germline): Uncertain significance. Review status: criteria provided, multiple submitters, no conflicts (2 of 4 stars). 2 submissions from 2 submitters: Uncertain significance (2). Last evaluated 2020-02-24.

Conditions:
Developmental and epileptic encephalopathy, 42 (DEE42A). Also called: Epileptic encephalopathy, early infantile, 42; DEVELOPMENTAL AND EPILEPTIC ENCEPHALOPATHY 42A; EPILEPTIC ENCEPHALOPATHY, EARLY INFANTILE, 42A. Identifiers: MedGen C4310716, MONDO:0014917, OMIM 617106.
Episodic ataxia type 2 (EA2). Also called: CEREBELLAR ATAXIA, PAROXYSMAL, ACETAZOLAMIDE-RESPONSIVE; CEREBELLOPATHY, HEREDITARY PAROXYSMAL; EPISODIC ATAXIA, NYSTAGMUS-ASSOCIATED; ATAXIA, EPISODIC, WITH NYSTAGMUS; ATAXIA, FAMILIAL PAROXYSMAL; ACETAZOLAMIDE-RESPONSIVE HEREDITARY PAROXYSMAL CEREBELLAR ATAXIA. Identifiers: Orphanet 97, MedGen C1720416, MONDO:0007163, OMIM 108500.

Submissions (2):

Labcorp Genetics (formerly Invitae), Labcorp
Classification: Uncertain significance for Developmental and epileptic encephalopathy, 42; Episodic ataxia type 2. Last evaluated: 2020-02-24. Review status: criteria provided, single submitter. Criteria: Invitae Variant Classification Sherloc (09022015). Collection method: clinical testing. Allele origin: germline.
Comment: This sequence change replaces glutamic acid with lysine at codon 920 of the CACNA1A protein (p.Glu920Lys). The glutamic acid residue is weakly conserved and there is a small physicochemical difference between glutamic acid and lysine. This variant is not present in population databases (ExAC no frequency). This variant has not been reported in the literature in individuals with CACNA1A-related disease. Algorithms developed to predict the effect of missense changes on protein structure and function (SIFT, PolyPhen-2, Align-GVGD) all suggest that this variant is likely to be tolerated, but these predictions have not been confirmed by published functional studies and their clinical significance is uncertain. In summary, the available evidence is currently insufficient to determine the role of this variant in disease. Therefore, it has been classified as a Variant of Uncertain Significance.

GeneDx
Classification: Uncertain significance. Last evaluated: 2019-12-13. Review status: criteria provided, single submitter. Criteria: GeneDx Variant Classification Process June 2021. Collection method: clinical testing. Allele origin: germline. Affected: yes.
Comment: Not observed in large population cohorts (Lek et al., 2016); In silico analysis, which includes protein predictors and evolutionary conservation, supports that this variant does not alter protein structure/function; Has not been previously published as pathogenic or benign to our knowledge

NM_001127222.2(CACNA1A):c.2755G>A (p.Glu919Lys)

Gene: CACNA1A (calcium voltage-gated channel subunit alpha1 A; minus strand). Cytogenetic location: 19p13.13.
Variant type: single nucleotide variant.
Coding change: c.2755G>A on transcript NM_001127222.2 (MANE Select); coding-DNA position 2755, G replaced by A.
Protein change: p.Glu919Lys; replaces glutamic acid 919 with lysine.
Molecular consequence: missense variant.
Genome position (GRCh38, 1-based): chr19:13,298,878, C>T on the plus strand (G>A on the coding strand, the complement: CACNA1A is on the minus strand). VCF-style: chr19-13298878-C-T. GRCh37 (hg19) VCF-style: chr19-13409692-C-T.
Other names: c.2767G>A, p.Glu923Lys (NM_000068.4, NM_023035.3); c.2758G>A, p.Glu920Lys (NM_001127221.2, NM_001174080.2); short protein forms E919K, E920K, E923K.
Identifiers: ClinVar variation 648110 (VCV000648110.10), dbSNP rs1555756130, ClinGen allele CA404342780.